The following is an entry in ClinVar:

ClinVar aggregate classification (germline): Benign/Likely benign. Review status: criteria provided, multiple submitters, no conflicts (2 of 4 stars). 6 submissions from 6 submitters: Benign (1); Likely benign (5). Last evaluated 2025-05-25.

Conditions:
NEFL-related disorder. Also called: NEFL-related condition.
Charcot-Marie-Tooth disease type 2E (CMT2E). Also called: CHARCOT-MARIE-TOOTH NEUROPATHY, TYPE 2E; CHARCOT-MARIE-TOOTH DISEASE, AXONAL, TYPE 2E. Identifiers: Orphanet 99939, MedGen C1843225, MONDO:0011894, OMIM 607684.
Charcot-Marie-Tooth disease type 1F. Also called: Charcot-Marie-Tooth disease, demyelinating, type 1f; CHARCOT-MARIE-TOOTH NEUROPATHY, TYPE 1F. Identifiers: Orphanet 101085, MedGen C1843164, MONDO:0011902, OMIM 607734.
Inborn genetic diseases. Identifiers: MedGen C0950123, MeSH D030342.

Allele frequency attached by ClinVar (database versions not stated): gnomAD 0.00016 and 0.00024; TOPMed 0.00025; gnomAD exomes 0.00032 and 0.00049; ExAC 0.00047; 1000 Genomes Project 30x 0.00062; 1000 Genomes Project 0.00080.
gnomAD v4.1: 486 of 1,614,016 alleles (0.03%); highest among the groups gnomAD compares: East Asian, 1.1%; 7 homozygotes.

Submissions (6):

Labcorp Genetics (formerly Invitae), Labcorp
Classification: Benign for Charcot-Marie-Tooth disease type 2E. Last evaluated: 2025-05-25. Review status: criteria provided, single submitter. Criteria: Invitae Variant Classification Sherloc (09022015). Collection method: clinical testing. Allele origin: germline.

PreventionGenetics, part of Exact Sciences
Classification: Likely benign for NEFL-related condition. Last evaluated: 2025-04-29. Review status: criteria provided, single submitter. Criteria: ACMG Guidelines, 2015. Collection method: clinical testing. Allele origin: germline.
Comment: This variant is classified as likely benign based on ACMG/AMP sequence variant interpretation guidelines (Richards et al. 2015 PMID: 25741868, with internal and published modifications).

ARUP Laboratories, Molecular Genetics and Genomics, ARUP Laboratories
Classification: Likely benign. Last evaluated: 2024-11-21. Review status: criteria provided, single submitter. Criteria: ARUP Molecular Germline Variant Investigation Process 2024. Collection method: clinical testing. Allele origin: germline.

Blueprint Genetics
Classification: Likely benign. Last evaluated: 2024-11-08. Review status: criteria provided, single submitter. Criteria: ACMG Guidelines, 2015. Collection method: clinical testing. Allele origin: germline.

Ambry Genetics
Classification: Likely benign for Inborn genetic diseases. Last evaluated: 2019-07-11. Review status: criteria provided, single submitter. Criteria: Ambry Variant Classification Scheme 2023. Collection method: clinical testing. Allele origin: germline.

Illumina Laboratory Services, Illumina
Classification: Likely benign for Charcot-Marie-Tooth disease type 1F. Last evaluated: 2017-04-27. Review status: criteria provided, single submitter. Criteria: ICSL Variant Classification Criteria 13 December 2019. Collection method: clinical testing. Allele origin: germline.
Comment: This variant was observed as part of a predisposition screen in an ostensibly healthy population. A literature search was performed for the gene, cDNA change, and amino acid change (where applicable). Publications were found based on this search. The evidence from the literature, in combination with allele frequency data from public databases where available, was sufficient to determine this variant is unlikely to cause disease. Therefore, this variant is classified as likely benign.

Literature cited by the submitters: PubMed 19158810 (cited by Illumina Laboratory Services, Illumina).

NM_006158.5(NEFL):c.1329C>T (p.Tyr443=)

Gene: NEFL (neurofilament light chain; minus strand). Cytogenetic location: 8p21.2.
Variant type: single nucleotide variant.
Coding change: c.1329C>T on transcript NM_006158.5 (MANE Select); coding-DNA position 1329, C replaced by T.
Protein change: p.Tyr443=; no amino-acid change (tyrosine 443 retained).
Molecular consequence: synonymous variant.
Genome position (GRCh38, 1-based): chr8:24,953,636, G>A on the plus strand (C>T on the coding strand, the complement: NEFL is on the minus strand). VCF-style: chr8-24953636-G-A. GRCh37 (hg19) VCF-style: chr8-24811150-G-A.
Identifiers: ClinVar variation 362646 (VCV000362646.19), dbSNP rs140532785, ClinGen allele CA4681288.